The following is an entry in ClinVar:

ClinVar aggregate classification (germline): Uncertain significance (1 of 4 stars; one submission).

Conditions:
Alpha-N-acetylgalactosaminidase deficiency. Identifiers: Orphanet 3137, MedGen C5848084, MONDO:0017779.

Submission:

Myriad Genetics, Inc.
Classification: Uncertain significance for Alpha-N-acetylgalactosaminidase deficiency. Last evaluated: 2026-04-16. Review status: criteria provided, single submitter. Criteria: Myriad Autosomal Dominant, Autosomal Recessive and X-Linked Classification Criteria (2023). Collection method: clinical testing. Allele origin: unknown.
Comment: NM_000262.2(NAGA):c.1014dupA(V339Sfs*29) is a frameshift variant classified as a variant of uncertain significance in the context of NAGA-related disorders. V339Sfs*29 has not been observed in cases with relevant disease. Relevant functional assessments of this variant are not available in the literature. V339Sfs*29 has not been observed in referenced population frequency databases. In summary, there is insufficient evidence to classify NM_000262.2(NAGA):c.1014dupA(V339Sfs*29) as pathogenic or benign. Please note: this variant was assessed in the context of healthy population screening.

NM_000262.3(NAGA):c.1014dup (p.Val339fs)

Gene: NAGA (alpha-N-acetylgalactosaminidase; minus strand). Cytogenetic location: 22q13.2.
Variant type: Duplication.
Coding change: c.1014dup on transcript NM_000262.3 (MANE Select); coding-DNA position 1014, one base duplicated (A; older notation c.1014dupA).
Protein change: p.Val339fs; shifts the reading frame from valine 339.
Molecular consequence: frameshift variant.
Genome position (GRCh38, 1-based): chr22:42,061,011, T duplicated on the plus strand (A on the coding strand, the reverse complement: NAGA is on the minus strand). VCF-style (leftmost placement, unchanged base first): chr22-42061010-C-CT. GRCh37 (hg19) VCF-style: chr22-42457014-C-CT.
Other names: c.1014dup, p.Val339fs (NM_001362848.1, NM_001362850.1); short protein forms V339fs.
Identifiers: ClinVar variation 5004019 (VCV005004019.1).
Genomic context (GRCh38, chr22:42,061,010, plus strand): 5'-TCAGCTGGCCAAGGGAGGAGTGGTAGCGATAAGGCATATCGGTCCTGCAGCTGAAGAAGA[C>CT]TAAGGCGCTAGCCTTGTTGGACAGAGGCCGCATGTACACTTCGATGAGAGATTTTTCCTG-3'